The following is an entry in ClinVar:

NM_000070.3(CAPN3):c.1952A>G (p.Gln651Arg)

Gene: CAPN3 (calpain 3; plus strand). Cytogenetic location: 15q15.1.
Variant type: single nucleotide variant.
Coding change: c.1952A>G on transcript NM_000070.3 (MANE Select); coding-DNA position 1952, A replaced by G.
Protein change: p.Gln651Arg; replaces glutamine 651 with arginine.
Molecular consequence: missense variant. On other transcripts: 5 prime UTR variant (2).
Genome position (GRCh38, 1-based): chr15:42,409,340, A>G. VCF-style: chr15-42409340-A-G. GRCh37 (hg19) VCF-style: chr15-42701538-A-G.
Other names: c.1934A>G, p.Gln645Arg (NM_024344.2); c.1676A>G, p.Gln559Arg (NM_173087.2); c.416A>G, p.Gln139Arg (NM_173088.2); c.-44A>G (NM_173089.2, NM_173090.2); short protein forms Q139R, Q559R, Q645R, Q651R.
Identifiers: ClinVar variation 4534892 (VCV004534892.6).

ClinVar aggregate classification (germline): Uncertain significance (1 of 4 stars; one submission).

gnomAD v4.1: 1 of 1,614,236 alleles (0.000062%); highest among the groups gnomAD compares: Non-Finnish European, 0.000085%; no homozygotes.

Submission:

CeGaT Center for Human Genetics Tuebingen
Classification: Uncertain significance. Last evaluated: 2025-10-01. Review status: criteria provided, single submitter. Criteria: CeGaT Center For Human Genetics Tuebingen Variant Classification Criteria Version 2. Collection method: clinical testing. Allele origin: germline. Affected: yes. Observed: 1 variant allele.
Comment: CAPN3: PM2